The following is an entry in ClinVar:

NM_001042492.3(NF1):c.7776T>G (p.His2592Gln)

Gene: NF1 (neurofibromin 1; plus strand). Cytogenetic location: 17q11.2.
Variant type: single nucleotide variant.
Coding change: c.7776T>G on transcript NM_001042492.3 (MANE Select); coding-DNA position 7776, T replaced by G.
Protein change: p.His2592Gln; replaces histidine 2592 with glutamine.
Molecular consequence: missense variant.
Genome position (GRCh38, 1-based): chr17:31,356,997, T>G. VCF-style: chr17-31356997-T-G. GRCh37 (hg19) VCF-style: chr17-29684015-T-G.
Other names: c.7713T>G, p.His2571Gln (NM_000267.4); short protein forms H2571Q, H2592Q.
Identifiers: ClinVar variation 1719611 (VCV001719611.5), dbSNP rs1555536692, ClinGen allele CA399018430.

ClinVar aggregate classification (germline): Uncertain significance (1 of 4 stars; one submission).

Conditions:
Neurofibromatosis, type 1 (NF1). Also called: Peripheral type neurofibromatosis; VON RECKLINGHAUSEN DISEASE; NEUROFIBROMATOSIS, TYPE I, SOMATIC; Neurofibromatosis, type I. Identifiers: Orphanet 636, MedGen C0027831, MONDO:0018975, OMIM 162200. Disease mechanism: loss of function.

Submission:

Labcorp Genetics (formerly Invitae), Labcorp
Classification: Uncertain significance for Neurofibromatosis, type 1. Last evaluated: 2022-07-14. Review status: criteria provided, single submitter. Criteria: Invitae Variant Classification Sherloc (09022015). Collection method: clinical testing. Allele origin: germline.
Comment: This sequence change replaces histidine, which is basic and polar, with glutamine, which is neutral and polar, at codon 2571 of the NF1 protein (p.His2571Gln). In summary, the available evidence is currently insufficient to determine the role of this variant in disease. Therefore, it has been classified as a Variant of Uncertain Significance. Advanced modeling of protein sequence and biophysical properties (such as structural, functional, and spatial information, amino acid conservation, physicochemical variation, residue mobility, and thermodynamic stability) performed at Invitae indicates that this missense variant is not expected to disrupt NF1 protein function. This variant has not been reported in the literature in individuals affected with NF1-related conditions. This variant is not present in population databases (gnomAD no frequency).